The following is an entry in ClinVar:

ClinVar aggregate classification (germline): Likely benign (1 of 4 stars; one submission).

Submission:

Laboratory for Molecular Medicine, Mass General Brigham Personalized Medicine
Classification: Likely benign. Last evaluated: 2015-07-16. Review status: criteria provided, single submitter. Criteria: LMM Criteria. Collection method: clinical testing. Allele origin: germline. Observed: 1 variant allele.
Comment: c.398-7T>C in intron 3 of LAMP2: This variant is not expected to have clinical s ignificance because a T>C change at this position does not diverge from the spli ce consensus sequence and is therefore unlikely to impact splicing.

NM_002294.3(LAMP2):c.398-7T>C

Gene: LAMP2 (lysosomal associated membrane protein 2; minus strand). Cytogenetic location: Xq24.
Variant type: single nucleotide variant.
Coding change: c.398-7T>C on transcript NM_002294.3 (MANE Select); 7 bases into the intron before coding-DNA position 398, T replaced by C.
Molecular consequence: intron variant.
Genome position (GRCh38, 1-based): chrX:120,449,135, A>G on the plus strand (T>C on the coding strand, the complement: LAMP2 is on the minus strand). VCF-style: chrX-120449135-A-G. GRCh37 (hg19) VCF-style: chrX-119582990-A-G.
Other names: c.398-7T>C (NM_001122606.1, NM_013995.2).
Identifiers: ClinVar variation 227484 (VCV000227484.4), dbSNP rs876657483, ClinGen allele CA10577157.